The following is an entry in ClinVar:

NM_014908.4(DOLK):c.136G>A (p.Ala46Thr)

Gene: DOLK (dolichol kinase; minus strand). Cytogenetic location: 9q34.11.
Variant type: single nucleotide variant.
Coding change: c.136G>A on transcript NM_014908.4 (MANE Select); coding-DNA position 136, G replaced by A.
Protein change: p.Ala46Thr; replaces alanine 46 with threonine.
Molecular consequence: missense variant.
Genome position (GRCh38, 1-based): chr9:128,947,168, C>T on the plus strand (G>A on the coding strand, the complement: DOLK is on the minus strand). VCF-style: chr9-128947168-C-T. GRCh37 (hg19) VCF-style: chr9-131709447-C-T.
Other names: short protein forms A46T.
Identifiers: ClinVar variation 1462034 (VCV001462034.8), dbSNP rs2131129267, ClinGen allele CA375128182.

ClinVar aggregate classification (germline): Uncertain significance (1 of 4 stars; one submission).

Conditions:
DK1-congenital disorder of glycosylation. Also called: DK1-CDG; DOLK-congenital disorder of glycosylation; Carbohydrate deficient glycoprotein syndrome type 1m; DK1 DEFICIENCY; DOLICHOL KINASE DEFICIENCY; CONGENITAL DISORDER OF GLYCOSYLATION, TYPE Im. Identifiers: Orphanet 91131, MedGen C1835849, MONDO:0012556, OMIM 610768.

Submission:

Labcorp Genetics (formerly Invitae), Labcorp
Classification: Uncertain significance for DK1-congenital disorder of glycosylation. Last evaluated: 2021-04-10. Review status: criteria provided, single submitter. Criteria: Invitae Variant Classification Sherloc (09022015). Collection method: clinical testing. Allele origin: germline.
Comment: In summary, the available evidence is currently insufficient to determine the role of this variant in disease. Therefore, it has been classified as a Variant of Uncertain Significance. Algorithms developed to predict the effect of missense changes on protein structure and function (SIFT, PolyPhen-2, Align-GVGD) all suggest that this variant is likely to be tolerated, but these predictions have not been confirmed by published functional studies and their clinical significance is uncertain. This variant has not been reported in the literature in individuals with DOLK-related conditions. This variant is not present in population databases (ExAC no frequency). This sequence change replaces alanine with threonine at codon 46 of the DOLK protein (p.Ala46Thr). The alanine residue is weakly conserved and there is a small physicochemical difference between alanine and threonine.